The following is an entry in ClinVar:

ClinVar aggregate classification (germline): Likely benign. Review status: criteria provided, multiple submitters, no conflicts (2 of 4 stars). 2 submissions from 2 submitters: Likely benign (2). Last evaluated 2023-02-21.

Allele frequency attached by ClinVar (database versions not stated): gnomAD 0.00026 and 0.00025; ESP Exome Variant Server 0.00038; gnomAD exomes 0.00004 and 0.00014; TOPMed 0.00018; 1000 Genomes Project 30x 0.00021; ExAC 0.00022; 1000 Genomes Project 0.00026.
gnomAD v4.1: 74 of 1,187,217 alleles (0.0062%); highest among the groups gnomAD compares: Middle Eastern, 0.053%; no homozygotes.

Submissions (2):

Blueprint Genetics
Classification: Likely benign. Last evaluated: 2023-02-21. Review status: criteria provided, single submitter. Criteria: ACMG Guidelines, 2015. Collection method: clinical testing. Allele origin: germline.

GeneDx
Classification: Likely benign. Last evaluated: 2018-03-19. Review status: criteria provided, single submitter. Criteria: GeneDx Variant Classification (06012015). Collection method: clinical testing. Allele origin: germline. Affected: yes.
Comment: This variant is considered likely benign or benign based on one or more of the following criteria: it is a conservative change, it occurs at a poorly conserved position in the protein, it is predicted to be benign by multiple in silico algorithms, and/or has population frequency not consistent with disease.

NM_003611.3(OFD1):c.-19C>G

Genes: OFD1 (OFD1 centriole and centriolar satellite protein; plus strand), LOC126863212 (CDK7 strongly-dependent group 2 enhancer GRCh37_chrX:13752241-13753440; plus strand). Cytogenetic location: Xp22.2.
Variant type: single nucleotide variant.
Coding change: c.-19C>G on transcript NM_003611.3 (MANE Select); 19 bases upstream of the start codon, C replaced by G.
Molecular consequence: 5 prime UTR variant.
Genome position (GRCh38, 1-based): chrX:13,735,053, C>G. VCF-style: chrX-13735053-C-G. GRCh37 (hg19) VCF-style: chrX-13753172-C-G.
Other names: c.-19C>G (NM_001330209.2); c.-564C>G (NM_001330210.2).
Identifiers: ClinVar variation 680448 (VCV000680448.2), dbSNP rs377742225, ClinGen allele CA10351491.